The following is an entry in ClinVar:

NM_003597.5(KLF11):c.1333C>T (p.Arg445Cys)

Gene: KLF11 (KLF transcription factor 11; plus strand). Cytogenetic location: 2p25.1.
Variant type: single nucleotide variant.
Coding change: c.1333C>T on transcript NM_003597.5 (MANE Select); coding-DNA position 1333, C replaced by T.
Protein change: p.Arg445Cys; replaces arginine 445 with cysteine.
Molecular consequence: missense variant.
Genome position (GRCh38, 1-based): chr2:10,052,301, C>T. VCF-style: chr2-10052301-C-T. GRCh37 (hg19) VCF-style: chr2-10192428-C-T.
Other names: c.1282C>T, p.Arg428Cys (NM_001177716.2, NM_001177718.2); short protein forms R428C, R445C.
Identifiers: ClinVar variation 4279617 (VCV004279617.1).

ClinVar aggregate classification (germline): Uncertain significance (1 of 4 stars; one submission).

Conditions:
Maturity-onset diabetes of the young type 7 (MODY7). Identifiers: Orphanet 552, MedGen C1864839, MONDO:0012513, OMIM 610508.

gnomAD v4.1: 48 of 1,614,018 alleles (0.003%); highest among the groups gnomAD compares: Non-Finnish European, 0.0039%; no homozygotes.

Submission:

Diagnostics Services (NGS), CSIR - Centre For Cellular And Molecular Biology
Classification: Uncertain significance for Maturity-onset diabetes of the young type 7. Last evaluated: 2025-09-26. Review status: criteria provided, single submitter. Criteria: ACMG Guidelines, 2015. Collection method: clinical testing. Allele origin: germline. Affected: yes. Observed: 1 variant allele, 1 heterozygote.
Comment: The c.1333C>T variant is not present in publicly available population databases like 1000 Genomes, EVS, Indian Exome Database or our internal database. The variant is present in gnomAD at low frequencies. This variant has neither been published in literature in individuals affected with KLF11-related conditions nor reported to the clinical databases like Human Genome Mutation Database (HGMD), ClinVar or OMIM, in any affected individuals. In-silico pathogenicity prediction programs like SIFT, Polyphen-2, MutationTaster2021, CADD, etc predicted this variant to be likely deleterious however these predictions were not confirmed by published functional/translational studies.